The following is an entry in ClinVar:

ClinVar aggregate classification (germline): Uncertain significance. Review status: criteria provided, multiple submitters, no conflicts (2 of 4 stars). 2 submissions from 2 submitters: Uncertain significance (2). Last evaluated 2025-06-17.

Conditions:
Inborn genetic diseases. Identifiers: MedGen C0950123, MeSH D030342.
MEGF10-related myopathy (CMYO10A). Also called: Congenital myopathy 10A, severe variant. Identifiers: Orphanet 439212, MedGen C3280679, MONDO:0013731, OMIM 614399.

Allele frequency attached by ClinVar (database versions not stated): gnomAD exomes 0.00001.
gnomAD v4.1: 13 of 1,608,804 alleles (0.00081%); highest among the groups gnomAD compares: South Asian, 0.01%; no homozygotes.

Submissions (2):

Ambry Genetics
Classification: Uncertain significance for Inborn genetic diseases. Last evaluated: 2025-06-17. Review status: criteria provided, single submitter. Criteria: Ambry Variant Classification Scheme 2023. Collection method: clinical testing. Allele origin: germline.

Labcorp Genetics (formerly Invitae), Labcorp
Classification: Uncertain significance for MEGF10-related myopathy. Last evaluated: 2022-08-09. Review status: criteria provided, single submitter. Criteria: Invitae Variant Classification Sherloc (09022015). Collection method: clinical testing. Allele origin: germline.
Comment: In summary, the available evidence is currently insufficient to determine the role of this variant in disease. Therefore, it has been classified as a Variant of Uncertain Significance. Algorithms developed to predict the effect of sequence changes on RNA splicing suggest that this variant may create or strengthen a splice site. Algorithms developed to predict the effect of missense changes on protein structure and function are either unavailable or do not agree on the potential impact of this missense change (SIFT: "Deleterious"; PolyPhen-2: "Benign"; Align-GVGD: "Class C0"). ClinVar contains an entry for this variant (Variation ID: 577060). This variant has not been reported in the literature in individuals affected with MEGF10-related conditions. This variant is present in population databases (rs566716623, gnomAD 0.02%). This sequence change replaces tyrosine, which is neutral and polar, with cysteine, which is neutral and slightly polar, at codon 1002 of the MEGF10 protein (p.Tyr1002Cys).

NM_001256545.2(MEGF10):c.3005A>G (p.Tyr1002Cys)

Gene: MEGF10 (multiple EGF like domains 10; plus strand). Cytogenetic location: 5q23.2.
Variant type: single nucleotide variant.
Coding change: c.3005A>G on transcript NM_001256545.2 (MANE Select); coding-DNA position 3005, A replaced by G.
Protein change: p.Tyr1002Cys; replaces tyrosine 1002 with cysteine.
Molecular consequence: missense variant.
Genome position (GRCh38, 1-based): chr5:127,454,590, A>G. VCF-style: chr5-127454590-A-G. GRCh37 (hg19) VCF-style: chr5-126790282-A-G.
Other names: c.3005A>G, p.Tyr1002Cys (NM_032446.3); short protein forms Y1002C.
Identifiers: ClinVar variation 577060 (VCV000577060.12), dbSNP rs566716623, ClinGen allele CA3392105.